The following is an entry in ClinVar:

NM_031483.7(ITCH):c.1952+6T>C

Gene: ITCH (itchy E3 ubiquitin protein ligase; plus strand). Cytogenetic location: 20q11.22.
Variant type: single nucleotide variant.
Coding change: c.1952+6T>C on transcript NM_031483.7 (MANE Select); 6 bases into the intron after coding-DNA position 1952, T replaced by C.
Molecular consequence: intron variant.
Genome position (GRCh38, 1-based): chr20:34,480,738, T>C. VCF-style: chr20-34480738-T-C. GRCh37 (hg19) VCF-style: chr20-33068543-T-C.
Other names: p.?; c.2075+6T>C (NM_001324197.2, NM_001257137.3); c.1952+6T>C (NM_001324198.2); c.1622+6T>C (NM_001257138.3).
Identifiers: ClinVar variation 659821 (VCV000659821.10), dbSNP rs1600458826, ClinGen allele CA915953108.

ClinVar aggregate classification (germline): Uncertain significance. Review status: criteria provided, multiple submitters, no conflicts (2 of 4 stars). 2 submissions from 2 submitters: Uncertain significance (2). Last evaluated 2025-10-24.

Conditions:
Syndromic multisystem autoimmune disease due to ITCH deficiency. Also called: AUTOIMMUNE DISEASE, MULTISYSTEM, WITH FACIAL DYSMORPHISM. Identifiers: Orphanet 228426, MedGen C3150649, MONDO:0013245, OMIM 613385.

Allele frequency attached by ClinVar (database versions not stated): gnomAD exomes below 0.00001.
gnomAD v4.1: 3 of 1,593,230 alleles (0.00019%); highest among the groups gnomAD compares: African/African-American, 0.0013%; no homozygotes.

Submissions (2):

Mayo Clinic Laboratories, Mayo Clinic
Classification: Uncertain significance. Last evaluated: 2025-10-24. Review status: criteria provided, single submitter. Criteria: ACMG Guidelines, 2015. Collection method: clinical testing. Allele origin: germline. Observed: 1 variant allele.
Comment: PM2_supporting

Labcorp Genetics (formerly Invitae), Labcorp
Classification: Uncertain significance for Syndromic multisystem autoimmune disease due to ITCH deficiency. Last evaluated: 2024-04-10. Review status: criteria provided, single submitter. Criteria: Invitae Variant Classification Sherloc (09022015). Collection method: clinical testing. Allele origin: germline.
Comment: This sequence change falls in intron 19 of the ITCH gene. It does not directly change the encoded amino acid sequence of the ITCH protein. It affects a nucleotide within the consensus splice site. This variant is not present in population databases (gnomAD no frequency). This variant has not been reported in the literature in individuals affected with ITCH-related conditions. ClinVar contains an entry for this variant (Variation ID: 659821). Variants that disrupt the consensus splice site are a relatively common cause of aberrant splicing (PMID: 17576681, 9536098). Algorithms developed to predict the effect of sequence changes on RNA splicing suggest that this variant is not likely to affect RNA splicing. In summary, the available evidence is currently insufficient to determine the role of this variant in disease. Therefore, it has been classified as a Variant of Uncertain Significance.

Literature cited by the submitters: PubMed 17576681 (cited by Labcorp Genetics (formerly Invitae), Labcorp); PubMed 9536098 (cited by Labcorp Genetics (formerly Invitae), Labcorp).